The following is an entry in ClinVar:

NM_001277115.2(DNAH11):c.12509C>T (p.Thr4170Ile)

Gene: DNAH11 (dynein axonemal heavy chain 11; plus strand). Cytogenetic location: 7p15.3.
Variant type: single nucleotide variant.
Coding change: c.12509C>T on transcript NM_001277115.2 (MANE Select); coding-DNA position 12509, C replaced by T.
Protein change: p.Thr4170Ile; replaces threonine 4170 with isoleucine.
Molecular consequence: missense variant.
Genome position (GRCh38, 1-based): chr7:21,892,426, C>T. VCF-style: chr7-21892426-C-T. GRCh37 (hg19) VCF-style: chr7-21932044-C-T.
Other names: short protein forms T4170I.
Identifiers: ClinVar variation 178737 (VCV000178737.31), dbSNP rs12537531, ClinGen allele CA182911.

ClinVar aggregate classification (germline): Benign/Likely benign. Review status: criteria provided, multiple submitters, no conflicts (2 of 4 stars). 10 submissions from 10 submitters: Benign (6); Likely benign (2). 2 of the submissions do not count toward it. Last evaluated 2026-02-04.

Conditions:
Primary ciliary dyskinesia. Also called: Ciliary dyskinesia. Identifiers: Orphanet 244, MedGen C0008780, MONDO:0016575, HP:0012265.
Primary ciliary dyskinesia 7. Also called: CILIARY DYSKINESIA, PRIMARY, 7, WITH OR WITHOUT SITUS INVERSUS. Identifiers: Orphanet 244, MedGen C2678473, MONDO:0012748, OMIM 611884.

Allele frequency attached by ClinVar (database versions not stated): TOPMed 0.36333; 1000 Genomes Project 30x 0.36493; ESP Exome Variant Server 0.36785; 1000 Genomes Project 0.36841.
gnomAD v4.1: 660,546 of 1,604,288 alleles (41%); highest among the groups gnomAD compares: Non-Finnish European, 43%; 138,328 homozygotes.

Submissions (10):

Labcorp Genetics (formerly Invitae), Labcorp
Classification: Benign for Primary ciliary dyskinesia. Last evaluated: 2026-02-04. Review status: criteria provided, single submitter. Criteria: Invitae Variant Classification Sherloc (09022015). Collection method: clinical testing. Allele origin: germline.

Blueprint Genetics
Classification: Likely benign. Last evaluated: 2024-11-27. Review status: criteria provided, single submitter. Criteria: ACMG Guidelines, 2015. Collection method: clinical testing. Allele origin: germline.

Mayo Clinic Laboratories, Mayo Clinic
Classification: Benign. Last evaluated: 2022-04-26. Review status: criteria provided, single submitter. Criteria: ACMG Guidelines, 2015. Collection method: clinical testing. Allele origin: germline. Observed: 136 variant alleles.

Genome-Nilou Lab
Classification: Benign for Primary ciliary dyskinesia 7. Last evaluated: 2021-07-30. Review status: criteria provided, single submitter. Criteria: ACMG Guidelines, 2015. Collection method: clinical testing. Allele origin: germline. Affected: no.

GeneDx
Classification: Benign. Last evaluated: 2018-11-10. Review status: criteria provided, single submitter. Criteria: GeneDx Variant Classification Process June 2021. Collection method: clinical testing. Allele origin: germline. Affected: yes.

Laboratory for Molecular Medicine, Mass General Brigham Personalized Medicine
Classification: Benign. Last evaluated: 2013-02-21. Review status: criteria provided, single submitter. Criteria: LMM Criteria. Collection method: clinical testing. Allele origin: germline. Observed: 65 variant alleles.
Comment: Thr4170Ile in exon 77 of DNAH11: This variant is not expected to have clinical s ignificance because it has been identified in 41.4% (3433/8302) of European Amer ican chromosomes from a broad population by the NHLBI Exome Sequencing Project (dbSNP rs12537531).

Breakthrough Genomics
Classification: Likely benign. Review status: criteria provided, single submitter. Criteria: ACMG Guidelines, 2015. Collection method: not provided. Allele origin: germline. Inheritance: Autosomal recessive inheritance. Affected: yes.

PreventionGenetics, part of Exact Sciences
Classification: Benign. Review status: criteria provided, single submitter. Criteria: ACMG Guidelines, 2015. Collection method: clinical testing. Allele origin: germline.

Clinical Genetics DNA and cytogenetics Diagnostics Lab, Erasmus MC, Erasmus Medical Center
Classification: Benign. Review status: no assertion criteria provided. Collection method: clinical testing. Allele origin: germline. Affected: yes. Study: VKGL Data-share Consensus. Not counted in ClinVar's aggregate classification.

Diagnostic Laboratory, Department of Genetics, University Medical Center Groningen
Classification: Benign. Review status: no assertion criteria provided. Collection method: clinical testing. Allele origin: germline. Affected: yes. Study: VKGL Data-share Consensus. Not counted in ClinVar's aggregate classification.